The following is an entry in ClinVar:

ClinVar aggregate classification (germline): Uncertain significance. Review status: criteria provided, multiple submitters, no conflicts (2 of 4 stars). 4 submissions from 4 submitters: Uncertain significance (4). Last evaluated 2025-04-21.

Conditions:
Hereditary cancer-predisposing syndrome. Also called: Neoplastic Syndromes, Hereditary; Hereditary neoplastic syndrome; Tumor predisposition; Hereditary Cancer Syndrome. Identifiers: Orphanet 140162, MedGen C0027672, MeSH D009386, MONDO:0015356.
Tuberous sclerosis 1 (TSC1). Identifiers: Orphanet 805, MedGen C1854465, MONDO:0008612, OMIM 191100.
Tuberous sclerosis syndrome (TSC). Also called: Tuberous Sclerosis Complex; Tuberous sclerosis. Identifiers: Orphanet 805, MedGen C0041341, MONDO:0001734.

Allele frequency attached by ClinVar (database versions not stated): TOPMed below 0.00001.

Submissions (4):

Ambry Genetics
Classification: Uncertain significance for Hereditary cancer-predisposing syndrome. Last evaluated: 2025-04-21. Review status: criteria provided, single submitter. Criteria: Ambry Variant Classification Scheme 2023. Collection method: clinical testing. Allele origin: germline.
Comment: The p.S16F variant (also known as c.47C>T), located in coding exon 1 of the TSC1 gene, results from a C to T substitution at nucleotide position 47. The serine at codon 16 is replaced by phenylalanine, an amino acid with highly dissimilar properties. This amino acid position is well conserved in available vertebrate species. In addition, this alteration is predicted to be deleterious by in silico analysis. Since supporting evidence is limited at this time, the clinical significance of this alteration remains unclear.

All of Us Research Program, National Institutes of Health
Classification: Uncertain significance for Tuberous sclerosis syndrome. Last evaluated: 2023-05-16. Review status: criteria provided, single submitter. Criteria: ACMG Guidelines, 2015. Collection method: clinical testing. Allele origin: germline. Inheritance: Autosomal dominant inheritance. Observed: 1 variant allele, 1 heterozygote.
Comment: This missense variant replaces serine with phenylalanine at codon 16 of the TSC1 protein. Computational prediction is inconclusive regarding the impact of this variant on protein structure and function (internally defined REVEL score threshold 0.5 < inconclusive < 0.7, PMID: 27666373). To our knowledge, functional studies have not been reported for this variant. This variant has not been reported in individuals affected with TSC1-related disorders in the literature. This variant has not been identified in the general population by the Genome Aggregation Database (gnomAD). The available evidence is insufficient to determine the role of this variant in disease conclusively. Therefore, this variant is classified as a Variant of Uncertain Significance.

This study involves interpretation of variants in research participants for the purpose of population health screening. Participant phenotype was not available at the time of variant classification. Additional details can be found in publication PMID: 35346344, PMCID: PMC8962531

Labcorp Genetics (formerly Invitae), Labcorp
Classification: Uncertain significance for Tuberous sclerosis 1. Last evaluated: 2023-03-20. Review status: criteria provided, single submitter. Criteria: Invitae Variant Classification Sherloc (09022015). Collection method: clinical testing. Allele origin: germline.
Comment: This sequence change replaces serine, which is neutral and polar, with phenylalanine, which is neutral and non-polar, at codon 16 of the TSC1 protein (p.Ser16Phe). This variant is not present in population databases (gnomAD no frequency). This variant has not been reported in the literature in individuals affected with TSC1-related conditions. ClinVar contains an entry for this variant (Variation ID: 534473). Advanced modeling of protein sequence and biophysical properties (such as structural, functional, and spatial information, amino acid conservation, physicochemical variation, residue mobility, and thermodynamic stability) performed at Invitae indicates that this missense variant is not expected to disrupt TSC1 protein function. In summary, the available evidence is currently insufficient to determine the role of this variant in disease. Therefore, it has been classified as a Variant of Uncertain Significance.

Genome-Nilou Lab
Classification: Uncertain significance for Tuberous sclerosis 1. Last evaluated: 2021-11-07. Review status: criteria provided, single submitter. Criteria: ACMG Guidelines, 2015. Collection method: clinical testing. Allele origin: germline. Affected: no.

NM_000368.5(TSC1):c.47C>T (p.Ser16Phe)

Gene: TSC1 (TSC complex subunit 1; minus strand). Cytogenetic location: 9q34.13.
Variant type: single nucleotide variant.
Coding change: c.47C>T on transcript NM_000368.5 (MANE Select); coding-DNA position 47, C replaced by T.
Protein change: p.Ser16Phe; replaces serine 16 with phenylalanine.
Molecular consequence: missense variant. On other transcripts: 5 prime UTR variant (1).
Genome position (GRCh38, 1-based): chr9:132,928,826, G>A on the plus strand (C>T on the coding strand, the complement: TSC1 is on the minus strand). VCF-style: chr9-132928826-G-A. GRCh37 (hg19) VCF-style: chr9-135804213-G-A.
Other names: c.47C>T, p.Ser16Phe (NM_001162426.2, NM_001162427.2); c.-213C>T (NM_001362177.2); short protein forms S16F.
Identifiers: ClinVar variation 534473 (VCV000534473.19), dbSNP rs774900322, ClinGen allele CA375375375.
Genomic context (GRCh38, chr9:132,928,826, plus strand): 5'-CCAGAATTGAGGTTCTCTTTAAAGACAGCTGTCACGTCGTCCCGCACACCCAGCATGGGG[G>A]AGTCCAGCATGGCAAGAAGCTCCCCGACATTTGCTTGTTGGGCCATTCTCTCGCTCGAAG-3'
Protein context (NP_000359.1, residues 6-26): NVGELLAMLD[Ser16Phe]PMLGVRDDVT